The following is an entry in ClinVar:

NM_005359.6(SMAD4):c.28C>G (p.Pro10Ala)

Gene: SMAD4 (SMAD family member 4; plus strand). Cytogenetic location: 18q21.2.
Variant type: single nucleotide variant.
Coding change: c.28C>G on transcript NM_005359.6 (MANE Select); coding-DNA position 28, C replaced by G.
Protein change: p.Pro10Ala; replaces proline 10 with alanine.
Molecular consequence: missense variant. On other transcripts: non-coding transcript variant (2).
Genome position (GRCh38, 1-based): chr18:51,047,074, C>G. VCF-style: chr18-51047074-C-G. GRCh37 (hg19) VCF-style: chr18-48573444-C-G.
Other names: c.28C>G, p.Pro10Ala (NM_001407041.1, NM_001407042.1, NM_001407043.1); short protein forms P10A.
Identifiers: ClinVar variation 4170035 (VCV004170035.1).

ClinVar aggregate classification (germline): Uncertain significance (1 of 4 stars; one submission).

Conditions:
Familial thoracic aortic aneurysm and aortic dissection (TAAD). Also called: Thoracic aortic aneurysms and dissections. Identifiers: Orphanet 91387, MedGen C4707243, MONDO:0019625.
Hereditary cancer-predisposing syndrome. Also called: Neoplastic Syndromes, Hereditary; Tumor predisposition; Hereditary Cancer Syndrome; Hereditary neoplastic syndrome. Identifiers: Orphanet 140162, MedGen C0027672, MeSH D009386, MONDO:0015356.

Submission:

Ambry Genetics
Classification: Uncertain significance for Hereditary cancer-predisposing syndrome; Familial thoracic aortic aneurysm and aortic dissection. Last evaluated: 2025-06-16. Review status: criteria provided, single submitter. Criteria: Ambry Variant Classification Scheme 2023. Collection method: clinical testing. Allele origin: germline.
Comment: The p.P10A variant (also known as c.28C>G), located in coding exon 1 of the SMAD4 gene, results from a C to G substitution at nucleotide position 28. The proline at codon 10 is replaced by alanine, an amino acid with highly similar properties. This amino acid position is highly conserved in available vertebrate species. In addition, this alteration is predicted to be deleterious by in silico analysis. Based on the available evidence, the clinical significance of this variant remains unclear.